The following is an entry in ClinVar:

ClinVar aggregate classification (germline): Benign/Likely benign. Review status: criteria provided, multiple submitters, no conflicts (2 of 4 stars). 3 submissions from 3 submitters: Benign (1); Likely benign (2). Last evaluated 2026-04-29.

Conditions:
Colorectal cancer, hereditary nonpolyposis, type 7. Identifiers: Orphanet 144, MedGen C1858380, MONDO:0013725, OMIM 614385.

Allele frequency attached by ClinVar (database versions not stated): gnomAD 0.00001; gnomAD exomes below 0.00001; TOPMed below 0.00001.
gnomAD v4.1: 2 of 1,613,722 alleles (0.00012%); highest among the groups gnomAD compares: African/African-American, 0.0027%; no homozygotes.

Submissions (3):

Myriad Genetics, Inc.
Classification: Benign for Colorectal cancer, hereditary nonpolyposis, type 7. Last evaluated: 2026-04-29. Review status: criteria provided, single submitter. Criteria: Myriad Autosomal Dominant, Autosomal Recessive and X-Linked Classification Criteria (2023). Collection method: clinical testing. Allele origin: unknown.
Comment: This variant is considered benign. This variant is a silent/synonymous amino acid change and it is not expected to impact splicing.

Labcorp Genetics (formerly Invitae), Labcorp
Classification: Likely benign for Colorectal cancer, hereditary nonpolyposis, type 7. Last evaluated: 2025-09-28. Review status: criteria provided, single submitter. Criteria: Invitae Variant Classification Sherloc (09022015). Collection method: clinical testing. Allele origin: germline.

Ambry Genetics
Classification: Likely benign. Last evaluated: 2020-04-23. Review status: criteria provided, single submitter. Criteria: Ambry Variant Classification Scheme 2023. Collection method: clinical testing. Allele origin: germline.

NM_001040108.2(MLH3):c.754T>C (p.Leu252=)

Gene: MLH3 (mutL homolog 3; minus strand). Cytogenetic location: 14q24.3.
Variant type: single nucleotide variant.
Coding change: c.754T>C on transcript NM_001040108.2 (MANE Select); coding-DNA position 754, T replaced by C.
Protein change: p.Leu252=; no amino-acid change (leucine 252 retained).
Molecular consequence: synonymous variant.
Genome position (GRCh38, 1-based): chr14:75,048,902, A>G on the plus strand (T>C on the coding strand, the complement: MLH3 is on the minus strand). VCF-style: chr14-75048902-A-G. GRCh37 (hg19) VCF-style: chr14-75515605-A-G.
Other names: c.754T>C, p.Leu252= (NM_014381.3).
Identifiers: ClinVar variation 1759486 (VCV001759486.4), dbSNP rs1412498589, ClinGen allele CA487274165.